The following is an entry in ClinVar:

ClinVar aggregate classification (germline): Benign. Review status: criteria provided, multiple submitters, no conflicts (2 of 4 stars). 2 submissions from 2 submitters: Benign (2). Last evaluated 2018-01-13.

Conditions:
Neurodegeneration with brain iron accumulation 4 (NBIA4). Also called: MITOCHONDRIAL PROTEIN-ASSOCIATED NEURODEGENERATION. Identifiers: Orphanet 289560, MedGen C3280371, MONDO:0013674, OMIM 614298. Disease mechanism: loss of function.

Allele frequency attached by ClinVar (database versions not stated): 1000 Genomes Project 0.26298; 1000 Genomes Project 30x 0.26827; TOPMed 0.41445; ExAC 0.41501.

Submissions (2):

Illumina Laboratory Services, Illumina
Classification: Benign for Neurodegeneration with brain iron accumulation 4. Last evaluated: 2018-01-13. Review status: criteria provided, single submitter. Criteria: ICSL Variant Classification Criteria 13 December 2019. Collection method: clinical testing. Allele origin: germline.
Comment: This variant was observed in the ICSL laboratory as part of a predisposition screen in an ostensibly healthy population. It had not been previously curated by ICSL or reported in the Human Gene Mutation Database (HGMD: prior to June 1st, 2018), and was therefore a candidate for classification through an automated scoring system. Utilizing variant allele frequency, disease prevalence and penetrance estimates, and inheritance mode, an automated score was calculated to assess if this variant is too frequent to cause the disease. Based on the score and internal cut-off values, a variant classified as benign is not then subjected to further curation. The score for this variant resulted in a classification of benign for this disease.

Breakthrough Genomics
Classification: Benign. Review status: criteria provided, single submitter. Criteria: ACMG Guidelines, 2015. Collection method: not provided. Allele origin: germline. Inheritance: Autosomal recessive inheritance. Affected: yes.

NM_031448.6(C19orf12):c.*437C>G

Gene: C19orf12 (chromosome 19 open reading frame 12; minus strand). Cytogenetic location: 19q12.
Variant type: single nucleotide variant.
Coding change: c.*437C>G on transcript NM_031448.6 (MANE Select); 437 bases downstream of the stop codon, C replaced by G.
Molecular consequence: 3 prime UTR variant.
Genome position (GRCh38, 1-based): chr19:29,702,275, G>C on the plus strand (C>G on the coding strand, the complement: C19orf12 is on the minus strand). VCF-style: chr19-29702275-G-C. GRCh37 (hg19) VCF-style: chr19-30193182-G-C.
Other names: c.*437C>G (NM_001031726.4, NM_001256047.2, NM_001282929.1 and 2 more transcripts); c.*484C>G (NM_001256046.3).
Identifiers: ClinVar variation 328723 (VCV000328723.6), dbSNP rs1048104, ClinGen allele CA9351803.